The following is an entry in ClinVar:

NM_020433.5(JPH2):c.211G>T (p.Gly71Trp)

Gene: JPH2 (junctophilin 2; minus strand). Cytogenetic location: 20q13.12.
Variant type: single nucleotide variant.
Coding change: c.211G>T on transcript NM_020433.5 (MANE Select); coding-DNA position 211, G replaced by T.
Protein change: p.Gly71Trp; replaces glycine 71 with tryptophan.
Molecular consequence: missense variant.
Genome position (GRCh38, 1-based): chr20:44,186,495, C>A on the plus strand (G>T on the coding strand, the complement: JPH2 is on the minus strand). VCF-style: chr20-44186495-C-A. GRCh37 (hg19) VCF-style: chr20-42815135-C-A.
Other names: c.211G>T, p.Gly71Trp (NM_175913.4); short protein forms G71W.
Identifiers: ClinVar variation 2759639 (VCV002759639.3), dbSNP rs2072844994, ClinGen allele CA409095285.
Genomic context (GRCh38, chr20:44,186,495, plus strand): 5'-TGAAGCCATGTGTCCACTCGCCCTTGTAGAGCCAGCGCCCCTTGGTCTCTATGCCCAGCC[C>A]ATGCCGTTTGCCCTGGCTCCAGTATCCCTCAAAGGTGTTTCCGCTGGGCCAGGTGTAGAC-3'
Protein context (NP_065166.2, residues 61-81): EGYWSQGKRH[Gly71Trp]LGIETKGRWL

ClinVar aggregate classification (germline): Uncertain significance (1 of 4 stars; one submission).

Conditions:
Hypertrophic cardiomyopathy. Also called: HYPERTROPHIC MYOCARDIOPATHY. Identifiers: Orphanet 217569, MedGen C0007194, MeSH D002312, MONDO:0005045, HP:0001639.

Submission:

Labcorp Genetics (formerly Invitae), Labcorp
Classification: Uncertain significance for Hypertrophic cardiomyopathy. Last evaluated: 2023-10-18. Review status: criteria provided, single submitter. Criteria: Invitae Variant Classification Sherloc (09022015). Collection method: clinical testing. Allele origin: germline.
Comment: This sequence change replaces glycine, which is neutral and non-polar, with tryptophan, which is neutral and slightly polar, at codon 71 of the JPH2 protein (p.Gly71Trp). This variant is not present in population databases (gnomAD no frequency). This variant has not been reported in the literature in individuals affected with JPH2-related conditions. An algorithm developed to predict the effect of missense changes on protein structure and function (PolyPhen-2) suggests that this variant is likely to be disruptive. In summary, the available evidence is currently insufficient to determine the role of this variant in disease. Therefore, it has been classified as a Variant of Uncertain Significance.